The following is an entry in ClinVar:

NM_017617.5(NOTCH1):c.2191C>T (p.Arg731Trp)

Gene: NOTCH1 (notch receptor 1; minus strand). Cytogenetic location: 9q34.3.
Variant type: single nucleotide variant.
Coding change: c.2191C>T on transcript NM_017617.5 (MANE Select); coding-DNA position 2191, C replaced by T.
Protein change: p.Arg731Trp; replaces arginine 731 with tryptophan.
Molecular consequence: missense variant.
Genome position (GRCh38, 1-based): chr9:136,514,526, G>A on the plus strand (C>T on the coding strand, the complement: NOTCH1 is on the minus strand). VCF-style: chr9-136514526-G-A. GRCh37 (hg19) VCF-style: chr9-139408978-G-A.
Other names: c.2191C>T, p.Arg731Trp (LRG_1122t1); short protein forms R731W.
Identifiers: ClinVar variation 477890 (VCV000477890.22), dbSNP rs199666126, ClinGen allele CA5341462.

ClinVar aggregate classification (germline): Conflicting classifications of pathogenicity. Review status: criteria provided, conflicting classifications (1 of 4 stars). 7 submissions from 6 submitters: Uncertain significance (5); Benign (1); Likely benign (1). Last evaluated 2025-11-05.

Conditions:
Familial thoracic aortic aneurysm and aortic dissection (TAAD). Also called: Thoracic aortic aneurysms and dissections. Identifiers: Orphanet 91387, MedGen C4707243, MONDO:0019625.
Aortic valve disease 1 (AOVD1). Identifiers: MedGen C3887892, MONDO:0024523, OMIM 109730.
Adams-Oliver syndrome 5 (AOS5). Identifiers: Orphanet 974, MedGen C4014970, MONDO:0014459, OMIM 616028.

Allele frequency attached by ClinVar (database versions not stated): gnomAD exomes 0.00004; ExAC 0.00011; gnomAD 0.00014 and 0.00016; TOPMed 0.00017; 1000 Genomes Project 0.00020; ESP Exome Variant Server 0.00024; 1000 Genomes Project 30x 0.00031.
gnomAD v4.1: 76 of 1,587,972 alleles (0.0048%); highest among the groups gnomAD compares: African/African-American, 0.039%; no homozygotes.

Submissions (7):

Labcorp Genetics (formerly Invitae), Labcorp
Classification: Benign for Adams-Oliver syndrome 5. Last evaluated: 2025-11-05. Review status: criteria provided, single submitter. Criteria: Invitae Variant Classification Sherloc (09022015). Collection method: clinical testing. Allele origin: germline.

Ambry Genetics
Classification: Uncertain significance for Familial thoracic aortic aneurysm and aortic dissection. Last evaluated: 2025-04-13. Review status: criteria provided, single submitter. Criteria: Ambry Variant Classification Scheme 2023. Collection method: clinical testing. Allele origin: germline.
Comment: The p.R731W variant (also known as c.2191C>T), located in coding exon 13 of the NOTCH1 gene, results from a C to T substitution at nucleotide position 2191. The arginine at codon 731 is replaced by tryptophan, an amino acid with dissimilar properties. This variant was previously reported in the SNPDatabase as rs199666126. Based on data from ExAC, the T allele has an overall frequency of approximately 0.01% (4/29280). Based on data from the NHLBI Exome Sequencing Project (ESP), the T allele has an overall frequency of approximately 0.02% (3/12400) total alleles studied, having been observed in 0.07% (3/4064) African American alleles. This amino acid position is not well conserved in available vertebrate species. In addition, the in silico prediction for this alteration is inconclusive. Since supporting evidence is limited at this time, the clinical significance of this variant remains unclear.

ARUP Laboratories, Molecular Genetics and Genomics, ARUP Laboratories
Classification: Uncertain significance. Last evaluated: 2025-04-09. Review status: criteria provided, single submitter. Criteria: ARUP Molecular Germline Variant Investigation Process 2024. Collection method: clinical testing. Allele origin: germline.
Comment: The NOTCH1 c.2191C>T; p.Arg731Trp variant (rs199666126), to our knowledge, is not reported in the medical literature but is reported in ClinVar (Variation ID: 477890). This variant is found in the African/African-American population with an allele frequency of 0.038% (8/21,048 alleles) in the Genome Aggregation Database (v2.1.1). Computational analyses are uncertain whether this variant is neutral or deleterious (REVEL: 0.485). Due to limited information, the clinical significance of this variant is uncertain at this time.

Blueprint Genetics
Classification: Likely benign. Last evaluated: 2024-09-18. Review status: criteria provided, single submitter. Criteria: ACMG Guidelines, 2015. Collection method: clinical testing. Allele origin: germline.

GeneDx
Classification: Uncertain significance. Last evaluated: 2023-11-06. Review status: criteria provided, single submitter. Criteria: GeneDx Variant Classification Process June 2021. Collection method: clinical testing. Allele origin: germline. Affected: yes.
Comment: Has not been previously published as pathogenic or benign to our knowledge; In silico analysis supports that this missense variant has a deleterious effect on protein structure/function

Genome-Nilou Lab
Classification: Uncertain significance for Adams-Oliver syndrome 5. Last evaluated: 2022-03-15. Review status: criteria provided, single submitter. Criteria: ACMG Guidelines, 2015. Collection method: clinical testing. Allele origin: germline. Affected: no.

Genome-Nilou Lab
Classification: Uncertain significance for Aortic valve disease 1. Last evaluated: 2022-03-15. Review status: criteria provided, single submitter. Criteria: ACMG Guidelines, 2015. Collection method: clinical testing. Allele origin: germline. Affected: no.